The following is an entry in ClinVar:

ClinVar aggregate classification (germline): Uncertain significance. Review status: criteria provided, multiple submitters, no conflicts (2 of 4 stars). 2 submissions from 2 submitters: Uncertain significance (2). Last evaluated 2026-01-16.

gnomAD v4.1: 39 of 1,505,758 alleles (0.0026%); highest among the groups gnomAD compares: Non-Finnish European, 0.0034%; no homozygotes.

Submissions (2):

Labcorp Genetics (formerly Invitae), Labcorp
Classification: Uncertain significance. Last evaluated: 2026-01-16. Review status: criteria provided, single submitter. Criteria: Invitae Variant Classification Sherloc (09022015). Collection method: clinical testing. Allele origin: germline.
Comment: This sequence change replaces valine, which is neutral and non-polar, with leucine, which is neutral and non-polar, at codon 219 of the CEACAM16 protein (p.Val219Leu). This variant is not present in population databases (gnomAD no frequency). This variant has not been reported in the literature in individuals affected with CEACAM16-related conditions. ClinVar contains an entry for this variant (Variation ID: 1723650). Invitae Evidence Modeling of protein sequence and biophysical properties (such as structural, functional, and spatial information, amino acid conservation, physicochemical variation, residue mobility, and thermodynamic stability) indicates that this missense variant is not expected to disrupt CEACAM16 protein function with a negative predictive value of 80%. In summary, the available evidence is currently insufficient to determine the role of this variant in disease. Therefore, it has been classified as a Variant of Uncertain Significance.

GeneDx
Classification: Uncertain significance. Last evaluated: 2022-11-10. Review status: criteria provided, single submitter. Criteria: GeneDx Variant Classification Process June 2021. Collection method: clinical testing. Allele origin: germline. Affected: yes.
Comment: Not observed at significant frequency in large population cohorts (gnomAD); In silico analysis supports that this missense variant does not alter protein structure/function; Has not been previously published as pathogenic or benign to our knowledge

NM_001039213.4(CEACAM16):c.655G>C (p.Val219Leu)

Genes: CEACAM16 (CEA cell adhesion molecule 16, tectorial membrane component; plus strand), CEACAM16-AS1 (CEACAM16, CEACAM19 and PVR antisense RNA 1; minus strand). Cytogenetic location: 19q13.32.
Variant type: single nucleotide variant.
Coding change: c.655G>C on transcript NM_001039213.4 (MANE Select); coding-DNA position 655, G replaced by C.
Protein change: p.Val219Leu; replaces valine 219 with leucine.
Molecular consequence: missense variant.
Genome position (GRCh38, 1-based): chr19:44,704,290, G>C. VCF-style: chr19-44704290-G-C. GRCh37 (hg19) VCF-style: chr19-45207560-G-C.
Other names: short protein forms V219L.
Identifiers: ClinVar variation 1723650 (VCV001723650.3), dbSNP rs369718143, ClinGen allele CA406289000.